The following is an entry in ClinVar:

NM_001004311.3(FIGLA):c.164C>A (p.Ser55Ter)

Gene: FIGLA (folliculogenesis specific bHLH transcription factor; minus strand). Cytogenetic location: 2p13.3.
Variant type: single nucleotide variant.
Coding change: c.164C>A on transcript NM_001004311.3 (MANE Select); coding-DNA position 164, C replaced by A.
Protein change: p.Ser55Ter; replaces serine 55 with a stop codon.
Molecular consequence: nonsense.
Genome position (GRCh38, 1-based): chr2:70,790,475, G>T on the plus strand (C>A on the coding strand, the complement: FIGLA is on the minus strand). VCF-style: chr2-70790475-G-T. GRCh37 (hg19) VCF-style: chr2-71017607-G-T.
Other names: short protein forms S55*.
Identifiers: ClinVar variation 4292272 (VCV004292272.1).

ClinVar aggregate classification (germline): Likely pathogenic (1 of 4 stars; one submission).

Conditions:
Premature ovarian failure 6 (POF6). Identifiers: MedGen C2676742, MONDO:0012861, OMIM 612310.

gnomAD v4.1: 1 of 1,545,048 alleles (0.000065%); highest among the groups gnomAD compares: Non-Finnish European, 0.000087%; no homozygotes.

Submission:

3billion
Classification: Likely pathogenic for Premature ovarian failure 6. Last evaluated: 2024-11-01. Review status: criteria provided, single submitter. Criteria: ACMG Guidelines, 2015. Collection method: clinical testing. Allele origin: germline. Affected: yes.
Comment: The variant is observed at an extremely low frequency in the gnomAD v4.1.0 dataset (total allele frequency: <0.001%). Predicted Consequence/Location: Stop-gained (nonsense): predicted to result in a loss or disruption of normal protein function through nonsense-mediated decay (NMD) or protein truncation. Multiple pathogenic variants are reported downstream of the variant. Therefore, this variant is classified as Likely pathogenic according to the recommendation of ACMG/AMP guideline.